The following is an entry in ClinVar:

NM_002609.4(PDGFRB):c.1990G>A (p.Val664Met)

Gene: PDGFRB (platelet derived growth factor receptor beta; minus strand). Cytogenetic location: 5q32.
Variant type: single nucleotide variant.
Coding change: c.1990G>A on transcript NM_002609.4 (MANE Select); coding-DNA position 1990, G replaced by A.
Protein change: p.Val664Met; replaces valine 664 with methionine.
Molecular consequence: missense variant.
Genome position (GRCh38, 1-based): chr5:150,124,283, C>T on the plus strand (G>A on the coding strand, the complement: PDGFRB is on the minus strand). VCF-style: chr5-150124283-C-T. GRCh37 (hg19) VCF-style: chr5-149503846-C-T.
Other names: c.1798G>A, p.Val600Met (NM_001355016.2); c.1507G>A, p.Val503Met (NM_001355017.2); short protein forms V503M, V600M, V664M.
Identifiers: ClinVar variation 2504737 (VCV002504737.1), dbSNP rs770122404, ClinGen allele CA361764593.
Genomic context (GRCh38, chr5:150,124,283, plus strand): 5'-AGGCCTCTGGGGCAGTGGGCTCGGTACCTCCTTTGGTGCAGGCCCCCAACAGGTTGACCA[C>T]GTTCAGGTGGGGCCCAAGGTGACTCATGATCTTCAGCTCCGACATAAGGGCTTGCTTCTC-3'
Protein context (NP_002600.1, residues 654-674): IMSHLGPHLN[Val664Met]VNLLGACTKG

ClinVar aggregate classification (germline): Uncertain significance (1 of 4 stars; one submission).

gnomAD v4.1: 9 of 1,613,804 alleles (0.00056%); highest among the groups gnomAD compares: African/African-American, 0.0013%; no homozygotes.

Submission:

GeneDx
Classification: Uncertain significance. Last evaluated: 2022-12-07. Review status: criteria provided, single submitter. Criteria: GeneDx Variant Classification Process June 2021. Collection method: clinical testing. Allele origin: germline. Affected: yes.
Comment: Not observed at significant frequency in large population cohorts (gnomAD); In silico analysis supports that this missense variant does not alter protein structure/function; Has not been previously published as pathogenic or benign to our knowledge